The following is an entry in ClinVar:

NM_000122.2(ERCC3):c.1150A>T (p.Ile384Phe)

Gene: ERCC3 (ERCC excision repair 3, TFIIH core complex helicase subunit; minus strand). Cytogenetic location: 2q14.3.
Variant type: single nucleotide variant.
Coding change: c.1150A>T on transcript NM_000122.2 (MANE Select); coding-DNA position 1150, A replaced by T.
Protein change: p.Ile384Phe; replaces isoleucine 384 with phenylalanine.
Molecular consequence: missense variant.
Genome position (GRCh38, 1-based): chr2:127,286,895, T>A on the plus strand (A>T on the coding strand, the complement: ERCC3 is on the minus strand). VCF-style: chr2-127286895-T-A. GRCh37 (hg19) VCF-style: chr2-128044471-T-A.
Other names: c.958A>T, p.Ile320Phe (NM_001303416.2, NM_001303418.2); short protein forms I384F, I320F.
Identifiers: ClinVar variation 1495592 (VCV001495592.5), dbSNP rs1024820965, ClinGen allele CA55337210.
Genomic context (GRCh38, chr2:127,286,895, plus strand): 5'-AGCAGCCGATGGGCTTGTCCTTGGCATCGGAGGTGAACCGGCAGATCTGGCTGTCGTCAA[T>A]GGTGGACCACATCTTGAACTGGGCTTTCCACTGCTCCACAGAAACAGCTGAGTTGCCCAG-3'
Protein context (NP_000113.1, residues 374-394): WKAQFKMWST[Ile384Phe]DDSQICRFTS

ClinVar aggregate classification (germline): Uncertain significance. Review status: criteria provided, multiple submitters, no conflicts (2 of 4 stars). 2 submissions from 2 submitters: Uncertain significance (2). Last evaluated 2025-08-05.

Allele frequency attached by ClinVar (database versions not stated): gnomAD 0.00001; TOPMed below 0.00001.
gnomAD v4.1: 4 of 1,614,106 alleles (0.00025%); highest among the groups gnomAD compares: Admixed American, 0.0017%; no homozygotes.

Submissions (2):

Dasa
Classification: Uncertain significance. Last evaluated: 2025-08-05. Review status: criteria provided, single submitter. Criteria: DASA Assertion Criteria. Collection method: clinical testing. Allele origin: germline.
Comment: NM_000122.2(ERCC3):c.1150A>T (p.Ile384Phe) is a missense variant that results in the substitution of isoleucine with phenylalanine. This variant is rare in population databases. Computational prediction algorithms are consistent with a benign effect. The currently available literature and clinical evidence are not sufficient to establish a definitive association between this variant and the reported condition. Therefore, this variant is classified as a variant of uncertain significance.

Labcorp Genetics (formerly Invitae), Labcorp
Classification: Uncertain significance. Last evaluated: 2022-08-15. Review status: criteria provided, single submitter. Criteria: Invitae Variant Classification Sherloc (09022015). Collection method: clinical testing. Allele origin: germline.
Comment: This sequence change replaces isoleucine, which is neutral and non-polar, with phenylalanine, which is neutral and non-polar, at codon 384 of the ERCC3 protein (p.Ile384Phe). This variant is not present in population databases (gnomAD no frequency). This variant has not been reported in the literature in individuals affected with ERCC3-related conditions. ClinVar contains an entry for this variant (Variation ID: 1495592). Algorithms developed to predict the effect of missense changes on protein structure and function are either unavailable or do not agree on the potential impact of this missense change (SIFT: "Deleterious"; PolyPhen-2: "Probably Damaging"; Align-GVGD: "Class C0"). In summary, the available evidence is currently insufficient to determine the role of this variant in disease. Therefore, it has been classified as a Variant of Uncertain Significance.